The following is an entry in ClinVar:

ClinVar aggregate classification (germline): Uncertain significance (1 of 4 stars; one submission).

Allele frequency attached by ClinVar (database versions not stated): gnomAD exomes below 0.00001; ExAC 0.00001; gnomAD 0.00001; TOPMed 0.00001.
gnomAD v4.1: 2 of 1,614,130 alleles (0.00012%); highest among the groups gnomAD compares: African/African-American, 0.0027%; no homozygotes.

Submission:

Labcorp Genetics (formerly Invitae), Labcorp
Classification: Uncertain significance. Last evaluated: 2020-03-23. Review status: criteria provided, single submitter. Criteria: Invitae Variant Classification Sherloc (09022015). Collection method: clinical testing. Allele origin: germline.
Comment: This sequence change replaces alanine with glutamic acid at codon 2929 of the SZT2 protein (p.Ala2929Glu). The alanine residue is highly conserved and there is a moderate physicochemical difference between alanine and glutamic acid. This variant is present in population databases (rs777442948, ExAC 0.01%). This variant has not been reported in the literature in individuals with SZT2-related conditions. Algorithms developed to predict the effect of missense changes on protein structure and function are either unavailable or do not agree on the potential impact of this missense change (SIFT: "Deleterious"; PolyPhen-2: "Probably Damaging"; Align-GVGD: "Class C0"). In summary, the available evidence is currently insufficient to determine the role of this variant in disease. Therefore, it has been classified as a Variant of Uncertain Significance.

NM_001365999.1(SZT2):c.8957C>A (p.Ala2986Glu)

Gene: SZT2 (SZT2 subunit of KICSTOR complex; plus strand). Cytogenetic location: 1p34.2.
Variant type: single nucleotide variant.
Coding change: c.8957C>A on transcript NM_001365999.1 (MANE Select); coding-DNA position 8957, C replaced by A.
Protein change: p.Ala2986Glu; replaces alanine 2986 with glutamic acid.
Molecular consequence: missense variant.
Genome position (GRCh38, 1-based): chr1:43,446,219, C>A. VCF-style: chr1-43446219-C-A. GRCh37 (hg19) VCF-style: chr1-43911890-C-A.
Other names: c.8786C>A, p.Ala2929Glu (NM_015284.4); short protein forms A2929E, A2986E.
Identifiers: ClinVar variation 1053327 (VCV001053327.9), dbSNP rs777442948, ClinGen allele CA810772.
Genomic context (GRCh38, chr1:43,446,219, plus strand): 5'-CCCCTTTTTTGTTTCTTCAGAGCACTAGCTCTCCGGTAACCACCTACCACCTGCAGCGGG[C>A]ACTGCCTGGGGGCATCATCCTCATGGAACTGGCATTCCAGGTAAGCAGGAGGAGCACTGA-3'
Protein context (NP_001352928.1, residues 2976-2996): SPVTTYHLQR[Ala2986Glu]LPGGIILMEL